The following is an entry in ClinVar:

NM_013436.5(NCKAP1):c.2995C>T (p.Leu999Phe)

Gene: NCKAP1 (NCK associated protein 1; minus strand). Cytogenetic location: 2q32.1.
Variant type: single nucleotide variant.
Coding change: c.2995C>T on transcript NM_013436.5 (MANE Select); coding-DNA position 2995, C replaced by T.
Protein change: p.Leu999Phe; replaces leucine 999 with phenylalanine.
Molecular consequence: missense variant.
Genome position (GRCh38, 1-based): chr2:182,928,858, G>A on the plus strand (C>T on the coding strand, the complement: NCKAP1 is on the minus strand). VCF-style: chr2-182928858-G-A. GRCh37 (hg19) VCF-style: chr2-183793586-G-A.
Other names: c.3013C>T, p.Leu1005Phe (NM_205842.3); short protein forms L1005F, L999F.
Identifiers: ClinVar variation 3370719 (VCV003370719.1).

ClinVar aggregate classification (germline): Uncertain significance (1 of 4 stars; one submission).

Submission:

GeneDx
Classification: Uncertain significance. Last evaluated: 2024-03-07. Review status: criteria provided, single submitter. Criteria: GeneDx Variant Classification Process June 2021. Collection method: clinical testing. Allele origin: germline. Affected: yes.
Comment: In silico analysis supports that this missense variant has a deleterious effect on protein structure/function; Has not been previously published as pathogenic or benign to our knowledge